The following is an entry in ClinVar:

NM_014264.5(PLK4):c.2177G>C (p.Trp726Ser)

Gene: PLK4 (polo like kinase 4; plus strand). Cytogenetic location: 4q28.1.
Variant type: single nucleotide variant.
Coding change: c.2177G>C on transcript NM_014264.5 (MANE Select); coding-DNA position 2177, G replaced by C.
Protein change: p.Trp726Ser; replaces tryptophan 726 with serine.
Molecular consequence: missense variant.
Genome position (GRCh38, 1-based): chr4:127,892,503, G>C. VCF-style: chr4-127892503-G-C. GRCh37 (hg19) VCF-style: chr4-128813658-G-C.
Other names: c.2081G>C, p.Trp694Ser (NM_001190799.2); c.2054G>C, p.Trp685Ser (NM_001190801.2); short protein forms W726S, W694S, W685S.
Identifiers: ClinVar variation 1967193 (VCV001967193.5), dbSNP rs1171869032, ClinGen allele CA358160653.
Genomic context (GRCh38, chr4:127,892,503, plus strand): 5'-TTACAAGATATGCTAAATGCATTTTGATGGAGAATTCTCCTGGTGCTGATTTTGAGGTTT[G>C]GTTTTATGATGGTAAGTACCATTTGGAAATGGTAATTTGTTCCTTTAGTTTGTAATTTAG-3'
Protein context (NP_055079.3, residues 716-736): ENSPGADFEV[Trp726Ser]FYDGVKIHKT

ClinVar aggregate classification (germline): Uncertain significance (1 of 4 stars; one submission).

gnomAD v4.1: 2 of 1,606,138 alleles (0.00012%); highest among the groups gnomAD compares: Non-Finnish European, 0.000085%; no homozygotes.

Submission:

Labcorp Genetics (formerly Invitae), Labcorp
Classification: Uncertain significance. Last evaluated: 2022-03-18. Review status: criteria provided, single submitter. Criteria: Invitae Variant Classification Sherloc (09022015). Collection method: clinical testing. Allele origin: germline.
Comment: This sequence change replaces tryptophan, which is neutral and slightly polar, with serine, which is neutral and polar, at codon 726 of the PLK4 protein (p.Trp726Ser). This variant is not present in population databases (gnomAD no frequency). This variant has not been reported in the literature in individuals affected with PLK4-related conditions. Algorithms developed to predict the effect of missense changes on protein structure and function are either unavailable or do not agree on the potential impact of this missense change (SIFT: "Tolerated"; PolyPhen-2: "Possibly Damaging"; Align-GVGD: "Class C0"). In summary, the available evidence is currently insufficient to determine the role of this variant in disease. Therefore, it has been classified as a Variant of Uncertain Significance.